The following is an entry in ClinVar:

ClinVar aggregate classification (germline): Benign/Likely benign. Review status: criteria provided, multiple submitters, no conflicts (2 of 4 stars). 3 submissions from 3 submitters: Benign (1); Likely benign (2). Last evaluated 2026-06-29.

Conditions:
Sessile serrated polyposis cancer syndrome (SSPCS). Identifiers: Orphanet 157798, MedGen C4310714, MONDO:0014919, OMIM 617108.

Allele frequency attached by ClinVar (database versions not stated): gnomAD exomes below 0.00001 and 0.00002; gnomAD 0.00002 and 0.00001; ExAC 0.00001; TOPMed 0.00003; 1000 Genomes Project 30x 0.00016; 1000 Genomes Project 0.00020.
gnomAD v4.1: 37 of 1,610,548 alleles (0.0023%); highest among the groups gnomAD compares: South Asian, 0.0044%; no homozygotes.

Submissions (3):

Myriad Genetics, Inc.
Classification: Benign for Sessile serrated polyposis cancer syndrome. Last evaluated: 2026-06-29. Review status: criteria provided, single submitter. Criteria: Myriad Autosomal Dominant, Autosomal Recessive and X-Linked Classification Criteria (2023). Collection method: clinical testing. Allele origin: unknown.
Comment: This variant is considered benign. This variant is a silent/synonymous amino acid change and it is not expected to impact splicing.

Labcorp Genetics (formerly Invitae), Labcorp
Classification: Likely benign. Last evaluated: 2025-05-25. Review status: criteria provided, single submitter. Criteria: Invitae Variant Classification Sherloc (09022015). Collection method: clinical testing. Allele origin: germline.

Ambry Genetics
Classification: Likely benign. Last evaluated: 2025-01-14. Review status: criteria provided, single submitter. Criteria: Ambry Variant Classification Scheme 2023. Collection method: clinical testing. Allele origin: germline.

NM_017763.6(RNF43):c.288C>T (p.Asp96=)

Gene: RNF43 (ring finger protein 43; minus strand). Cytogenetic location: 17q22.
Variant type: single nucleotide variant.
Coding change: c.288C>T on transcript NM_017763.6 (MANE Select); coding-DNA position 288, C replaced by T.
Protein change: p.Asp96=; no amino-acid change (aspartic acid 96 retained).
Molecular consequence: synonymous variant.
Genome position (GRCh38, 1-based): chr17:58,370,998, G>A on the plus strand (C>T on the coding strand, the complement: RNF43 is on the minus strand). VCF-style: chr17-58370998-G-A. GRCh37 (hg19) VCF-style: chr17-56448359-G-A.
Other names: c.288C>T, p.Asp96= (NM_001305544.3); c.-94C>T (NM_001305545.2).
Identifiers: ClinVar variation 1105742 (VCV001105742.11), dbSNP rs199877558, ClinGen allele CA8673473.
Genomic context (GRCh38, chr17:58,370,998, plus strand): 5'-GGGGGCCCGTCGAGGACTCTCCAGCTTGACGATGCTGATGAATCCAGGCTCCAGATTGTC[G>A]TCATCACTGGCATTGCACAGGTACAGCGGGTGGGACTGCAGAGAGAGACAGACTTGGGTT-3'
Protein context (NP_060233.3, residues 86-106): HPLYLCNASD[Asp96=]DNLEPGFISI